The following is an entry in ClinVar:

ClinVar aggregate classification (germline): Benign (1 of 4 stars; one submission).

Conditions:
Lynch syndrome 4 (LYNCH4). Also called: Colorectal cancer, hereditary nonpolyposis, type 4; Hereditary non-polyposis colorectal cancer, type 4. Identifiers: Orphanet 144, MedGen C1838333, MONDO:0013699, OMIM 614337. Disease mechanism: loss of function.

Submission:

Myriad Genetics, Inc.
Classification: Benign for Lynch syndrome 4. Last evaluated: 2025-01-28. Review status: criteria provided, single submitter. Criteria: Myriad Autosomal Dominant, Autosomal Recessive and X-Linked Classification Criteria (2023). Collection method: clinical testing. Allele origin: unknown.
Comment: This variant is considered benign. This variant is a silent/synonymous amino acid change and it is not expected to impact splicing.

NM_000535.7(PMS2):c.777T>C (p.Cys259=)

Gene: PMS2 (PMS1 homolog 2, mismatch repair system component; minus strand). Cytogenetic location: 7p22.1.
Variant type: single nucleotide variant.
Coding change: c.777T>C on transcript NM_000535.7 (MANE Select); coding-DNA position 777, T replaced by C.
Protein change: p.Cys259=; no amino-acid change (cysteine 259 retained).
Molecular consequence: synonymous variant. On other transcripts: 5 prime UTR variant (2), non-coding transcript variant (1), intron variant (3).
Genome position (GRCh38, 1-based): chr7:5,997,352, A>G on the plus strand (T>C on the coding strand, the complement: PMS2 is on the minus strand). VCF-style: chr7-5997352-A-G. GRCh37 (hg19) VCF-style: chr7-6036983-A-G.
Other names: c.372T>C, p.Cys124= (NM_001322003.2, NM_001322004.2, NM_001322005.2 and 19 more transcripts); c.777T>C, p.Cys259= (NM_001322006.2, NM_001322014.2, NM_001406870.1 and 3 more transcripts); c.459T>C, p.Cys153= (NM_001322007.2, NM_001322008.2, NM_001406876.1 and 4 more transcripts); c.-157T>C (NM_001322011.2, NM_001322012.2); c.204T>C, p.Cys68= (NM_001322013.2, NM_001406909.1); c.468T>C, p.Cys156= (NM_001322015.2, NM_001406875.1, NM_001406877.1 and 6 more transcripts); c.963T>C, p.Cys321= (NM_001406866.1); c.801T>C, p.Cys267= (NM_001406868.1); and 7 more.
Identifiers: ClinVar variation 3903467 (VCV003903467.1).